The following is an entry in ClinVar:

ClinVar aggregate classification (germline): Conflicting classifications of pathogenicity. Review status: criteria provided, conflicting classifications (1 of 4 stars). 4 submissions from 4 submitters: Pathogenic (1); Benign (1); Likely benign (1). 1 of the submissions does not count toward it. Last evaluated 2025-09-21.

Conditions:
Leukoencephalopathy with brain stem and spinal cord involvement-high lactate syndrome (LBSL). Also called: LEUKOENCEPHALOPATHY WITH BRAINSTEM AND SPINAL CORD INVOLVEMENT AND LACTATE ELEVATION, MILD; MITOCHONDRIAL ASPARTYL-tRNA SYNTHETASE DEFICIENCY; Leukoencephalopathy with Brainstem and Spinal Cord Involvement and Lactate Elevation. Identifiers: Orphanet 137898, MedGen C1970180, MONDO:0012622, OMIM 611105.

Submissions (4):

Dasa
Classification: Benign. Last evaluated: 2025-09-21. Review status: criteria provided, single submitter. Criteria: DASA Assertion Criteria. Collection method: clinical testing. Allele origin: germline.
Comment: NM_018122.5(DARS2):c.228-20del is an intronic variant. Population frequency is inconsistent with a disease-causing role for this variant, observations in unaffected individuals support a benign interpretation, and the variant context is inconsistent with a known disease-causing mechanism. Therefore, based on the currently available evidence, this variant is classified as benign.

Institute of Human Genetics Munich, TUM University Hospital
Classification: Pathogenic for Leukoencephalopathy with brain stem and spinal cord involvement-high lactate syndrome. Last evaluated: 2024-05-08. Review status: criteria provided, single submitter. Criteria: Classification criteria August 2017. Collection method: clinical testing. Allele origin: maternal. Inheritance: Autosomal recessive inheritance. Affected: yes. Observed: 1 variant allele.

GeneDx
Classification: Likely benign. Last evaluated: 2019-08-13. Review status: criteria provided, single submitter. Criteria: GeneDx Variant Classification Process June 2021. Collection method: clinical testing. Allele origin: germline. Affected: yes.

Mayo Clinic Laboratories, Mayo Clinic
Classification: Benign. Last evaluated: 2016-02-22. Review status: no assertion criteria provided. Collection method: clinical testing. Allele origin: unknown. Not counted in ClinVar's aggregate classification.

NM_018122.5(DARS2):c.228-20del

Gene: DARS2 (aspartyl-tRNA synthetase 2, mitochondrial; plus strand). Cytogenetic location: 1q25.1.
Variant type: Deletion.
Coding change: c.228-20del on transcript NM_018122.5 (MANE Select); 20 bases into the intron before coding-DNA position 228, one base deleted (T; older notation c.228-20delT).
Molecular consequence: intron variant.
Genome position (GRCh38, 1-based): chr1:173,828,313, T deleted; the last of 4 consecutive T bases (chr1:173,828,310-173,828,313); deleting any one gives the same sequence. VCF-style (leftmost placement, unchanged base first): chr1-173828309-CT-C. GRCh37 (hg19) VCF-style: chr1-173797447-CT-C.
Other names: c.228-20del (NM_001365212.1, NM_001365213.2).
Identifiers: ClinVar variation 559196 (VCV000559196.16), dbSNP rs143246542, ClinGen allele CA1250046.